The following is an entry in ClinVar:

ClinVar aggregate classification (germline): Uncertain significance (1 of 4 stars; one submission).

Conditions:
EP300-related disorder. Also called: EP300-related condition; EP300-related disorders.

gnomAD v4.1: 6 of 1,611,068 alleles (0.00037%); highest among the groups gnomAD compares: Non-Finnish European, 0.00042%; no homozygotes.

Submission:

PreventionGenetics, part of Exact Sciences
Classification: Uncertain significance for EP300-related condition. Last evaluated: 2026-08-18. Review status: criteria provided, single submitter. Criteria: ACMG Guidelines, 2015. Collection method: clinical testing. Allele origin: germline.
Comment: The EP300 c.2779C>T variant is predicted to result in the amino acid substitution p.Pro927Ser. To our knowledge, this variant has not been reported in the literature or in a large population database, indicating this variant is rare. At this time, the clinical significance of this variant is uncertain due to the absence of conclusive functional and genetic evidence.

NM_001429.4(EP300):c.2779C>T (p.Pro927Ser)

Gene: EP300 (EP300 lysine acetyltransferase; plus strand). Cytogenetic location: 22q13.2.
Variant type: single nucleotide variant.
Coding change: c.2779C>T on transcript NM_001429.4 (MANE Select); coding-DNA position 2779, C replaced by T.
Protein change: p.Pro927Ser; replaces proline 927 with serine.
Molecular consequence: missense variant.
Genome position (GRCh38, 1-based): chr22:41,150,160, C>T. VCF-style: chr22-41150160-C-T. GRCh37 (hg19) VCF-style: chr22-41546164-C-T.
Other names: c.2701C>T, p.Pro901Ser (NM_001362843.2); short protein forms P927S, P901S.
Identifiers: ClinVar variation 4987050 (VCV004987050.1).